The following is an entry in ClinVar:

ClinVar aggregate classification (germline): Uncertain significance (1 of 4 stars; one submission).

Allele frequency attached by ClinVar (database versions not stated): gnomAD exomes below 0.00001; ExAC 0.00001; TOPMed 0.00001.
gnomAD v4.1: 4 of 1,614,208 alleles (0.00025%); highest among the groups gnomAD compares: Admixed American, 0.0017%; no homozygotes.

Submission:

Labcorp Genetics (formerly Invitae), Labcorp
Classification: Uncertain significance. Last evaluated: 2022-11-22. Review status: criteria provided, single submitter. Criteria: Invitae Variant Classification Sherloc (09022015). Collection method: clinical testing. Allele origin: germline.
Comment: In summary, the available evidence is currently insufficient to determine the role of this variant in disease. Therefore, it has been classified as a Variant of Uncertain Significance. Algorithms developed to predict the effect of missense changes on protein structure and function (SIFT, PolyPhen-2, Align-GVGD) all suggest that this variant is likely to be disruptive. ClinVar contains an entry for this variant (Variation ID: 1505661). This variant has not been reported in the literature in individuals affected with ARHGEF18-related conditions. This variant is present in population databases (rs763747011, gnomAD 0.003%). This sequence change replaces leucine, which is neutral and non-polar, with histidine, which is basic and polar, at codon 207 of the ARHGEF18 protein (p.Leu207His).

NM_001367823.1(ARHGEF18):c.1184T>A (p.Leu395His)

Gene: ARHGEF18 (Rho/Rac guanine nucleotide exchange factor 18; plus strand). Cytogenetic location: 19p13.2.
Variant type: single nucleotide variant.
Coding change: c.1184T>A on transcript NM_001367823.1 (MANE Select); coding-DNA position 1184, T replaced by A.
Protein change: p.Leu395His; replaces leucine 395 with histidine.
Molecular consequence: missense variant.
Genome position (GRCh38, 1-based): chr19:7,441,730, T>A. VCF-style: chr19-7441730-T-A. GRCh37 (hg19) VCF-style: chr19-7506616-T-A.
Other names: c.458T>A, p.Leu153His (NM_001130955.2); c.146T>A, p.Leu49His (NM_001367824.1, NM_015318.4); short protein forms L49H, L153H, L395H.
Identifiers: ClinVar variation 1505661 (VCV001505661.6), dbSNP rs763747011, ClinGen allele CA9136367.
Genomic context (GRCh38, chr19:7,441,730, plus strand): 5'-TGGATGAAGCCGATTCTGCGTTTTTAAAATTTAAGCAGACAGCTGATGACTCTCTGTCCC[T>A]TACATCTCCAAACACCGAGTCCATTTTTGTAGAAGGTATGGTCATCTCCGCTCTCTCGCG-3'
Protein context (NP_001354752.1, residues 385-405): FKQTADDSLS[Leu395His]TSPNTESIFV